The following is an entry in ClinVar:

ClinVar aggregate classification (germline): Uncertain significance (1 of 4 stars; one submission).

Conditions:
PLXNA2-related disorder. Also called: PLXNA2-related condition.

gnomAD v4.1: 5 of 1,614,016 alleles (0.00031%); highest among the groups gnomAD compares: Non-Finnish European, 0.00042%; no homozygotes.

Submission:

PreventionGenetics, part of Exact Sciences
Classification: Uncertain significance for PLXNA2-related condition. Last evaluated: 2026-04-02. Review status: criteria provided, single submitter. Criteria: ACMG Guidelines, 2015. Collection method: clinical testing. Allele origin: germline.
Comment: The PLXNA2 c.3224G>A variant is predicted to result in the amino acid substitution p.Arg1075Gln. To our knowledge, this variant has not been reported in the literature or in a large population database, indicating this variant is rare. At this time, the clinical significance of this variant is uncertain due to the absence of conclusive functional and genetic evidence.

NM_025179.4(PLXNA2):c.3224G>A (p.Arg1075Gln)

Gene: PLXNA2 (plexin A2; minus strand). Cytogenetic location: 1q32.2.
Variant type: single nucleotide variant.
Coding change: c.3224G>A on transcript NM_025179.4 (MANE Select); coding-DNA position 3224, G replaced by A.
Protein change: p.Arg1075Gln; replaces arginine 1075 with glutamine.
Molecular consequence: missense variant.
Genome position (GRCh38, 1-based): chr1:208,051,040, C>T on the plus strand (G>A on the coding strand, the complement: PLXNA2 is on the minus strand). VCF-style: chr1-208051040-C-T. GRCh37 (hg19) VCF-style: chr1-208224385-C-T.
Other names: short protein forms R1075Q.
Identifiers: ClinVar variation 3353819 (VCV003353819.2).